The following is an entry in ClinVar:

ClinVar aggregate classification (germline): Uncertain significance. Review status: criteria provided, multiple submitters, no conflicts (2 of 4 stars). 2 submissions from 2 submitters: Uncertain significance (2). Last evaluated 2025-08-25.

Conditions:
Hereditary breast ovarian cancer syndrome. Also called: Hereditary breast and ovarian cancer syndrome; Hereditary breast and ovarian cancer syndrome (HBOC); Hereditary breast and/or ovarian cancer syndrome; Hereditary breast and ovarian cancer; Breast and ovarian cancer; BRCA1- and BRCA2-Associated Hereditary Breast and Ovarian Cancer. Identifiers: Orphanet 145, MedGen C0677776, MeSH D061325, MONDO:0003582. Disease mechanism: loss of function.
Hereditary cancer-predisposing syndrome. Also called: Hereditary Cancer Syndrome; Neoplastic Syndromes, Hereditary; Tumor predisposition; Hereditary neoplastic syndrome. Identifiers: Orphanet 140162, MedGen C0027672, MeSH D009386, MONDO:0015356.

Submissions (2):

Labcorp Genetics (formerly Invitae), Labcorp
Classification: Uncertain significance for Hereditary breast ovarian cancer syndrome. Last evaluated: 2025-08-25. Review status: criteria provided, single submitter. Criteria: Invitae Variant Classification Sherloc (09022015). Collection method: clinical testing. Allele origin: germline.
Comment: This sequence change replaces valine, which is neutral and non-polar, with isoleucine, which is neutral and non-polar, at codon 382 of the BRCA1 protein (p.Val382Ile). This variant is not present in population databases (gnomAD no frequency). This variant has not been reported in the literature in individuals affected with BRCA1-related conditions. ClinVar contains an entry for this variant (Variation ID: 2794607). Invitae Evidence Modeling of protein sequence and biophysical properties (such as structural, functional, and spatial information, amino acid conservation, physicochemical variation, residue mobility, and thermodynamic stability) indicates that this missense variant is expected to disrupt BRCA1 protein function with a positive predictive value of 80%. In summary, the available evidence is currently insufficient to determine the role of this variant in disease. Therefore, it has been classified as a Variant of Uncertain Significance.

Ambry Genetics
Classification: Uncertain significance for Hereditary cancer-predisposing syndrome. Last evaluated: 2025-03-20. Review status: criteria provided, single submitter. Criteria: Ambry Variant Classification Scheme 2023. Collection method: clinical testing. Allele origin: germline.
Comment: The p.V382I variant (also known as c.1144G>A), located in coding exon 9 of the BRCA1 gene, results from a G to A substitution at nucleotide position 1144. The valine at codon 382 is replaced by isoleucine, an amino acid with highly similar properties. This amino acid position is highly conserved in available vertebrate species. In addition, this alteration is predicted to be deleterious by in silico analysis. Based on the available evidence, the clinical significance of this variant remains unclear.

NM_007294.4(BRCA1):c.1144G>A (p.Val382Ile)

Gene: BRCA1 (BRCA1 DNA repair associated; minus strand). Cytogenetic location: 17q21.31.
Variant type: single nucleotide variant.
Coding change: c.1144G>A on transcript NM_007294.4 (MANE Select); coding-DNA position 1144, G replaced by A.
Protein change: p.Val382Ile; replaces valine 382 with isoleucine.
Molecular consequence: missense variant. On other transcripts: intron variant (137).
Genome position (GRCh38, 1-based): chr17:43,094,387, C>T on the plus strand (G>A on the coding strand, the complement: BRCA1 is on the minus strand). VCF-style: chr17-43094387-C-T. GRCh37 (hg19) VCF-style: chr17-41246404-C-T.
Other names: c.931G>A, p.Val311Ile (NM_001407571.1, NM_001407853.1, NM_001407894.1 and 9 more transcripts); c.1144G>A, p.Val382Ile (NM_001407581.1, NM_001407582.1, NM_001407583.1 and 30 more transcripts); c.1141G>A, p.Val381Ile (NM_001407587.1, NM_001407590.1, NM_001407591.1 and 22 more transcripts); c.1135G>A, p.Val379Ile (NM_001407646.1, NM_001407647.1); c.1021G>A, p.Val341Ile (NM_001407648.1, NM_001407664.1, NM_001407665.1 and 19 more transcripts); c.1018G>A, p.Val340Ile (NM_001407649.1, NM_001407670.1, NM_001407671.1 and 11 more transcripts); c.1066G>A, p.Val356Ile (NM_001407653.1, NM_001407654.1, NM_001407655.1 and 4 more transcripts); c.1063G>A, p.Val355Ile (NM_001407659.1, NM_001407660.1, NM_001407661.1 and 1 more transcripts); and 40 more; short protein forms V214I, V311I, V334I, V381I, V254I, V255I, V340I, V355I.
Identifiers: ClinVar variation 2794607 (VCV002794607.4), dbSNP rs1160165083, ClinGen allele CA10599770.